The following is an entry in ClinVar:

NM_000112.4(SLC26A2):c.-25-131A>G

Gene: SLC26A2 (solute carrier family 26 member 2; plus strand). Cytogenetic location: 5q32.
Variant type: single nucleotide variant.
Coding change: c.-25-131A>G on transcript NM_000112.4 (MANE Select); 131 bases into the intron before 25 bases upstream of the start codon, A replaced by G.
Molecular consequence: intron variant.
Genome position (GRCh38, 1-based): chr5:149,977,497, A>G. VCF-style: chr5-149977497-A-G. GRCh37 (hg19) VCF-style: chr5-149357060-A-G.
Identifiers: ClinVar variation 671224 (VCV000671224.1), dbSNP rs17110742, ClinGen allele CA15394134.

ClinVar aggregate classification (germline): Benign (1 of 4 stars; one submission).

Allele frequency attached by ClinVar (database versions not stated): gnomAD exomes 0.14279; 1000 Genomes Project 0.17332; 1000 Genomes Project 30x 0.17911; gnomAD 0.18316 and 0.18797; TOPMed 0.19920.
gnomAD v4.1: 101,808 of 667,342 alleles (15%); highest among the groups gnomAD compares: Admixed American, 31%; 9,183 homozygotes.

Submission:

GeneDx
Classification: Benign. Last evaluated: 2018-06-14. Review status: criteria provided, single submitter. Criteria: GeneDx Variant Classification (06012015). Collection method: clinical testing. Allele origin: germline. Affected: yes.
Comment: This variant is considered likely benign or benign based on one or more of the following criteria: it is a conservative change, it occurs at a poorly conserved position in the protein, it is predicted to be benign by multiple in silico algorithms, and/or has population frequency not consistent with disease.